The following is an entry in ClinVar:

ClinVar aggregate classification (germline): Uncertain significance (1 of 4 stars; one submission).

Allele frequency attached by ClinVar (database versions not stated): gnomAD exomes below 0.00001.
gnomAD v4.1: 5 of 1,612,954 alleles (0.00031%); highest among the groups gnomAD compares: Non-Finnish European, 0.00034%; no homozygotes.

Submission:

GeneDx
Classification: Uncertain significance. Last evaluated: 2022-04-04. Review status: criteria provided, single submitter. Criteria: GeneDx Variant Classification Process June 2021. Collection method: clinical testing. Allele origin: germline. Affected: yes.
Comment: Not observed at significant frequency in large population cohorts (gnomAD); In silico analysis supports that this missense variant has a deleterious effect on protein structure/function; Has not been previously published as pathogenic or benign to our knowledge

NM_007327.4(GRIN1):c.1237C>T (p.Pro413Ser)

Gene: GRIN1 (glutamate ionotropic receptor NMDA type subunit 1; plus strand). Cytogenetic location: 9q34.3.
Variant type: single nucleotide variant.
Coding change: c.1237C>T on transcript NM_007327.4 (MANE Select); coding-DNA position 1237, C replaced by T.
Protein change: p.Pro413Ser; replaces proline 413 with serine.
Molecular consequence: missense variant.
Genome position (GRCh38, 1-based): chr9:137,161,095, C>T. VCF-style: chr9-137161095-C-T. GRCh37 (hg19) VCF-style: chr9-140055547-C-T.
Other names: c.1237C>T, p.Pro413Ser (NM_000832.7, NM_021569.4); c.1300C>T, p.Pro434Ser (NM_001185090.2, NM_001185091.2); short protein forms P413S, P434S.
Identifiers: ClinVar variation 1708742 (VCV001708742.2), dbSNP rs2538623973, ClinGen allele CA375715916.